The following is an entry in ClinVar:

NM_000285.4(PEPD):c.778G>A (p.Gly260Arg)

Gene: PEPD (peptidase D; minus strand). Cytogenetic location: 19q13.11.
Variant type: single nucleotide variant.
Coding change: c.778G>A on transcript NM_000285.4 (MANE Select); coding-DNA position 778, G replaced by A.
Protein change: p.Gly260Arg; replaces glycine 260 with arginine.
Molecular consequence: missense variant.
Genome position (GRCh38, 1-based): chr19:33,411,712, C>T on the plus strand (G>A on the coding strand, the complement: PEPD is on the minus strand). VCF-style: chr19-33411712-C-T. GRCh37 (hg19) VCF-style: chr19-33902618-C-T.
Other names: c.655G>A, p.Gly219Arg (NM_001166056.2); c.586G>A, p.Gly196Arg (NM_001166057.2); short protein forms G196R, G219R, G260R.
Identifiers: ClinVar variation 1014666 (VCV001014666.8), dbSNP rs763716318, ClinGen allele CA9364137.
Genomic context (GRCh38, chr19:33,411,712, plus strand): 5'-GGGCCGCTGGCCCTACTTACCACATATCCCCATTCTGGATCGTTCGGTCGTTGGGAGCTC[C>T]GGCGTGTCCGTAGTGTAGCACGGCTGAGTTCTCACCACTGCAAAGAGCCGGGGGAGGGTG-3'
Protein context (NP_000276.2, residues 250-270): NSAVLHYGHA[Gly260Arg]APNDRTIQNG

ClinVar aggregate classification (germline): Uncertain significance. Review status: criteria provided, multiple submitters, no conflicts (2 of 4 stars). 2 submissions from 2 submitters: Uncertain significance (2). Last evaluated 2022-07-12.

Conditions:
Prolidase deficiency. Identifiers: Orphanet 742, MedGen C0268532, MONDO:0008221, OMIM 170100.

Allele frequency attached by ClinVar (database versions not stated): gnomAD exomes 0.00001 and 0.00002; ExAC 0.00002; gnomAD 0.00003; TOPMed 0.00006.
gnomAD v4.1: 20 of 1,610,974 alleles (0.0012%); highest among the groups gnomAD compares: African/African-American, 0.011%; no homozygotes.

Submissions (2):

Labcorp Genetics (formerly Invitae), Labcorp
Classification: Uncertain significance. Last evaluated: 2022-07-12. Review status: criteria provided, single submitter. Criteria: Invitae Variant Classification Sherloc (09022015). Collection method: clinical testing. Allele origin: germline.
Comment: This sequence change replaces glycine, which is neutral and non-polar, with arginine, which is basic and polar, at codon 260 of the PEPD protein (p.Gly260Arg). This variant is present in population databases (rs763716318, gnomAD 0.02%). This variant has not been reported in the literature in individuals affected with PEPD-related conditions. ClinVar contains an entry for this variant (Variation ID: 1014666). Algorithms developed to predict the effect of missense changes on protein structure and function are either unavailable or do not agree on the potential impact of this missense change (SIFT: "Deleterious"; PolyPhen-2: "Probably Damaging"; Align-GVGD: "Class C0"). In summary, the available evidence is currently insufficient to determine the role of this variant in disease. Therefore, it has been classified as a Variant of Uncertain Significance.

Revvity Omics, Revvity
Classification: Uncertain significance for Prolidase deficiency. Last evaluated: 2020-04-03. Review status: criteria provided, single submitter. Criteria: ACMG Guidelines, 2015. Collection method: clinical testing. Allele origin: germline.